The following is an entry in ClinVar:

ClinVar aggregate classification (germline): Conflicting classifications of pathogenicity. Review status: criteria provided, conflicting classifications (1 of 4 stars). 4 submissions from 4 submitters: Uncertain significance (3); Likely benign (1). Last evaluated 2024-06-08.

Conditions:
Inborn genetic diseases. Identifiers: MedGen C0950123, MeSH D030342.

Allele frequency attached by ClinVar (database versions not stated): TOPMed 0.00001; gnomAD 0.00005; gnomAD exomes 0.00005 and 0.00007; ExAC 0.00006.
gnomAD v4.1: 108 of 1,573,860 alleles (0.0069%); highest among the groups gnomAD compares: Admixed American, 0.0093%; 1 homozygote.

Submissions (4):

Labcorp Genetics (formerly Invitae), Labcorp
Classification: Uncertain significance. Last evaluated: 2024-06-08. Review status: criteria provided, single submitter. Criteria: Invitae Variant Classification Sherloc (09022015). Collection method: clinical testing. Allele origin: germline.
Comment: This sequence change replaces alanine, which is neutral and non-polar, with valine, which is neutral and non-polar, at codon 1167 of the MYH14 protein (p.Ala1167Val). The frequency data for this variant in the population databases is considered unreliable, as metrics indicate poor data quality at this position in the gnomAD database. This variant has not been reported in the literature in individuals affected with MYH14-related conditions. ClinVar contains an entry for this variant (Variation ID: 505662). Advanced modeling of protein sequence and biophysical properties (such as structural, functional, and spatial information, amino acid conservation, physicochemical variation, residue mobility, and thermodynamic stability) performed at Invitae indicates that this missense variant is expected to disrupt MYH14 protein function with a positive predictive value of 80%. In summary, the available evidence is currently insufficient to determine the role of this variant in disease. Therefore, it has been classified as a Variant of Uncertain Significance.

GeneDx
Classification: Likely benign. Last evaluated: 2023-05-24. Review status: criteria provided, single submitter. Criteria: GeneDx Variant Classification Process June 2021. Collection method: clinical testing. Allele origin: germline. Affected: yes.
Comment: In silico analysis supports that this missense variant has a deleterious effect on protein structure/function; Has not been previously published as pathogenic or benign to our knowledge

Ambry Genetics
Classification: Uncertain significance for Inborn genetic diseases. Last evaluated: 2022-11-08. Review status: criteria provided, single submitter. Criteria: Ambry Variant Classification Scheme 2023. Collection method: clinical testing. Allele origin: germline.

Laboratory for Molecular Medicine, Mass General Brigham Personalized Medicine
Classification: Uncertain significance. Last evaluated: 2017-09-04. Review status: criteria provided, single submitter. Criteria: LMM Criteria. Collection method: clinical testing. Allele origin: germline. Observed: 1 variant allele.
Comment: The p.Ala1208Val variant in MYH14 has not been previously reported in individual s with hearing loss, but has been identified in 8/72276 European chromosomes by the Genome Aggregation Database (gnomAD; dbSNP rs758560911). Although this variant has been seen in the general population, it s frequency is not high enough to rule out a pathogenic role. Computational pred iction tools and conservation analysis suggest that the p.Ala1208Val variant may impact the protein, though this information is not predictive enough to determi ne pathogenicity. In summary, the clinical significance of the p.Ala1208Val vari ant is uncertain.

NM_001145809.2(MYH14):c.3623C>T (p.Ala1208Val)

Gene: MYH14 (myosin heavy chain 14; plus strand). Cytogenetic location: 19q13.33.
Variant type: single nucleotide variant.
Coding change: c.3623C>T on transcript NM_001145809.2 (MANE Select); coding-DNA position 3623, C replaced by T.
Protein change: p.Ala1208Val; replaces alanine 1208 with valine.
Molecular consequence: missense variant.
Genome position (GRCh38, 1-based): chr19:50,276,146, C>T. VCF-style: chr19-50276146-C-T. GRCh37 (hg19) VCF-style: chr19-50779403-C-T.
Other names: c.3524C>T, p.Ala1175Val (NM_001077186.2); c.3500C>T, p.Ala1167Val (NM_024729.4); short protein forms A1208V, A1175V, A1167V.
Identifiers: ClinVar variation 505662 (VCV000505662.12), dbSNP rs758560911, ClinGen allele CA9593269.
Genomic context (GRCh38, chr19:50,276,146, plus strand): 5'-AGCGTGTGGCCAGGACCAAGGCGGAGAAGCAGCGCCGGGACCTGGGCGAGGAGCTGGAGG[C>T]GCTGCGGGGCGAGCTGGAGGACACGCTGGACTCCACCAACGCACAGCAGGAGCTCCGGTG-3'
Protein context (NP_001139281.1, residues 1198-1218): QRRDLGEELE[Ala1208Val]LRGELEDTLD